The following is an entry in ClinVar:

NM_004186.5(SEMA3F):c.1588-6C>A

Gene: SEMA3F (semaphorin 3F; plus strand). Cytogenetic location: 3p21.31.
Variant type: single nucleotide variant.
Coding change: c.1588-6C>A on transcript NM_004186.5 (MANE Select); 6 bases into the intron before coding-DNA position 1588, C replaced by A.
Molecular consequence: intron variant.
Genome position (GRCh38, 1-based): chr3:50,185,883, C>A. VCF-style: chr3-50185883-C-A. GRCh37 (hg19) VCF-style: chr3-50223316-C-A.
Other names: c.1291-6C>A (NM_001318798.2); c.1495-6C>A (NM_001318800.2).
Identifiers: ClinVar variation 4998848 (VCV004998848.1).

ClinVar aggregate classification (germline): Likely benign (1 of 4 stars; one submission).

Conditions:
SEMA3F-related disorder. Also called: SEMA3F-related condition.

gnomAD v4.1: 2 of 1,609,456 alleles (0.00012%); highest among the groups gnomAD compares: Non-Finnish European, 0.00017%; no homozygotes.

Submission:

PreventionGenetics, part of Exact Sciences
Classification: Likely benign for SEMA3F-related condition. Last evaluated: 2025-01-08. Review status: criteria provided, single submitter. Criteria: ACMG Guidelines, 2015. Collection method: clinical testing. Allele origin: germline.
Comment: This variant is classified as likely benign based on ACMG/AMP sequence variant interpretation guidelines (Richards et al. 2015 PMID: 25741868, with internal and published modifications).